The following is an entry in ClinVar:

ClinVar aggregate classification (germline): Uncertain significance (1 of 4 stars; one submission).

Conditions:
Pigmentary pallidal degeneration (NBIA1). Also called: Neurodegeneration with brain iron accumulation 1; HARP SYNDROME; Pantothenate Kinase-Associated Neurodegeneration; Neuroaxonal dystrophy, late infantile; Hallervorden-Spatz disease; PKAN NEUROAXONAL DYSTROPHY, JUVENILE-ONSET. Identifiers: Orphanet 157850, MedGen C0018523, MONDO:0009319, OMIM 234200.

Submission:

Labcorp Genetics (formerly Invitae), Labcorp
Classification: Uncertain significance for Pigmentary pallidal degeneration. Last evaluated: 2024-10-15. Review status: criteria provided, single submitter. Criteria: Invitae Variant Classification Sherloc (09022015). Collection method: clinical testing. Allele origin: germline.
Comment: This sequence change replaces arginine, which is basic and polar, with glycine, which is neutral and non-polar, at codon 481 of the PANK2 protein (p.Arg481Gly). This variant is not present in population databases (gnomAD no frequency). This missense change has been observed in individual(s) with neurodegeneration with brain iron accumulation (internal data). ClinVar contains an entry for this variant (Variation ID: 2131133). Invitae Evidence Modeling of protein sequence and biophysical properties (such as structural, functional, and spatial information, amino acid conservation, physicochemical variation, residue mobility, and thermodynamic stability) indicates that this missense variant is expected to disrupt PANK2 protein function with a positive predictive value of 80%. This variant disrupts the p.Arg481 amino acid residue in PANK2. Other variant(s) that disrupt this residue have been observed in individuals with PANK2-related conditions (PMID: 16437574, 23166001; internal data), which suggests that this may be a clinically significant amino acid residue. In summary, the available evidence is currently insufficient to determine the role of this variant in disease. Therefore, it has been classified as a Variant of Uncertain Significance.

Literature cited by the submitters: PubMed 16437574; PubMed 23166001.

NM_001386393.1(PANK2):c.1111C>G (p.Arg371Gly)

Gene: PANK2 (pantothenate kinase 2; plus strand). Cytogenetic location: 20p13.
Variant type: single nucleotide variant.
Coding change: c.1111C>G on transcript NM_001386393.1 (MANE Select); coding-DNA position 1111, C replaced by G.
Protein change: p.Arg371Gly; replaces arginine 371 with glycine.
Molecular consequence: missense variant. On other transcripts: non-coding transcript variant (1).
Genome position (GRCh38, 1-based): chr20:3,916,955, C>G. VCF-style: chr20-3916955-C-G. GRCh37 (hg19) VCF-style: chr20-3897602-C-G.
Other names: c.568C>G, p.Arg190Gly (NM_001324191.2, NM_024960.6, NM_153640.4); c.133C>G, p.Arg45Gly (NM_001324193.2); c.1441C>G, p.Arg481Gly (NM_153638.4); short protein forms R371G, R481G, R45G, R190G.
Identifiers: ClinVar variation 2131133 (VCV002131133.4), dbSNP rs137852968, ClinGen allele CA408119283.